The following is an entry in ClinVar:

ClinVar aggregate classification (germline): Uncertain significance (1 of 4 stars; one submission).

Conditions:
RAI1-related disorder. Also called: RAI1-related condition.

Submission:

PreventionGenetics, part of Exact Sciences
Classification: Uncertain significance for RAI1-related condition. Last evaluated: 2024-10-11. Review status: criteria provided, single submitter. Criteria: ACMG Guidelines, 2015. Collection method: clinical testing. Allele origin: germline.
Comment: The RAI1 c.697G>C variant is predicted to result in the amino acid substitution p.Ala233Pro. To our knowledge, this variant has not been reported in the literature or in a large population database (gnomAD), indicating this variant is rare. At this time, the clinical significance of this variant is uncertain due to the absence of conclusive functional and genetic evidence.

NM_030665.4(RAI1):c.697G>C (p.Ala233Pro)

Gene: RAI1 (retinoic acid induced 1; plus strand). Cytogenetic location: 17p11.2.
Variant type: single nucleotide variant.
Coding change: c.697G>C on transcript NM_030665.4 (MANE Select); coding-DNA position 697, G replaced by C.
Protein change: p.Ala233Pro; replaces alanine 233 with proline.
Molecular consequence: missense variant.
Genome position (GRCh38, 1-based): chr17:17,793,645, G>C. VCF-style: chr17-17793645-G-C. GRCh37 (hg19) VCF-style: chr17-17696959-G-C.
Other names: short protein forms A233P.
Identifiers: ClinVar variation 5000520 (VCV005000520.1).